The following is an entry in ClinVar:

ClinVar aggregate classification (germline): Uncertain significance (1 of 4 stars; one submission).

Submission:

Labcorp Genetics (formerly Invitae), Labcorp
Classification: Uncertain significance. Last evaluated: 2025-01-13. Review status: criteria provided, single submitter. Criteria: Invitae Variant Classification Sherloc (09022015). Collection method: clinical testing. Allele origin: germline.
Comment: This sequence change replaces leucine, which is neutral and non-polar, with valine, which is neutral and non-polar, at codon 161 of the GJB3 protein (p.Leu161Val). This variant is not present in population databases (gnomAD no frequency). This variant has not been reported in the literature in individuals affected with GJB3-related conditions. Invitae Evidence Modeling of protein sequence and biophysical properties (such as structural, functional, and spatial information, amino acid conservation, physicochemical variation, residue mobility, and thermodynamic stability) indicates that this missense variant is not expected to disrupt GJB3 protein function with a negative predictive value of 80%. In summary, the available evidence is currently insufficient to determine the role of this variant in disease. Therefore, it has been classified as a Variant of Uncertain Significance.

NM_024009.3(GJB3):c.481C>G (p.Leu161Val)

Gene: GJB3 (gap junction protein beta 3; plus strand). Cytogenetic location: 1p34.3.
Variant type: single nucleotide variant.
Coding change: c.481C>G on transcript NM_024009.3 (MANE Select); coding-DNA position 481, C replaced by G.
Protein change: p.Leu161Val; replaces leucine 161 with valine.
Molecular consequence: missense variant.
Genome position (GRCh38, 1-based): chr1:34,785,243, C>G. VCF-style: chr1-34785243-C-G. GRCh37 (hg19) VCF-style: chr1-35250844-C-G.
Other names: c.481C>G, p.Leu161Val (NM_001005752.2); short protein forms L161V.
Identifiers: ClinVar variation 3718353 (VCV003718353.2).